The following is an entry in ClinVar:

ClinVar aggregate classification (germline): Uncertain significance (1 of 4 stars; one submission).

gnomAD v4.1: 39 of 1,614,198 alleles (0.0024%); highest among the groups gnomAD compares: East Asian, 0.076%; no homozygotes.

Submission:

Labcorp Genetics (formerly Invitae), Labcorp
Classification: Uncertain significance. Last evaluated: 2025-06-27. Review status: criteria provided, single submitter. Criteria: Invitae Variant Classification Sherloc (09022015). Collection method: clinical testing. Allele origin: germline.
Comment: This sequence change replaces asparagine, which is neutral and polar, with serine, which is neutral and polar, at codon 19 of the CNOT1 protein (p.Asn19Ser). This variant is present in population databases (rs148971125, gnomAD 0.03%). This variant has not been reported in the literature in individuals affected with CNOT1-related conditions. An algorithm developed to predict the effect of missense changes on protein structure and function (PolyPhen-2) suggests that this variant is likely to be tolerated. In summary, the available evidence is currently insufficient to determine the role of this variant in disease. Therefore, it has been classified as a Variant of Uncertain Significance.

NM_016284.5(CNOT1):c.56A>G (p.Asn19Ser)

Gene: CNOT1 (CCR4-NOT transcription complex subunit 1; minus strand). Cytogenetic location: 16q21.
Variant type: single nucleotide variant.
Coding change: c.56A>G on transcript NM_016284.5 (MANE Select); coding-DNA position 56, A replaced by G.
Protein change: p.Asn19Ser; replaces asparagine 19 with serine.
Molecular consequence: missense variant. On other transcripts: non-coding transcript variant (1).
Genome position (GRCh38, 1-based): chr16:58,599,282, T>C on the plus strand (A>G on the coding strand, the complement: CNOT1 is on the minus strand). VCF-style: chr16-58599282-T-C. GRCh37 (hg19) VCF-style: chr16-58633186-T-C.
Other names: c.56A>G, p.Asn19Ser (NM_001265612.2, NM_206999.3); short protein forms N19S.
Identifiers: ClinVar variation 4696226 (VCV004696226.1).